The following is an entry in ClinVar:

NM_032119.4(ADGRV1):c.12305T>C (p.Ile4102Thr)

Gene: ADGRV1 (adhesion G protein-coupled receptor V1; plus strand). Cytogenetic location: 5q14.3.
Variant type: single nucleotide variant.
Coding change: c.12305T>C on transcript NM_032119.4 (MANE Select); coding-DNA position 12305, T replaced by C.
Protein change: p.Ile4102Thr; replaces isoleucine 4102 with threonine.
Molecular consequence: missense variant. On other transcripts: non-coding transcript variant (1).
Genome position (GRCh38, 1-based): chr5:90,774,205, T>C. VCF-style: chr5-90774205-T-C. GRCh37 (hg19) VCF-style: chr5-90070022-T-C.
Other names: short protein forms I4102T.
Identifiers: ClinVar variation 1708619 (VCV001708619.2), dbSNP rs2531819842, ClinGen allele CA360383441.

ClinVar aggregate classification (germline): Uncertain significance (1 of 4 stars; one submission).

Submission:

GeneDx
Classification: Uncertain significance. Last evaluated: 2022-04-07. Review status: criteria provided, single submitter. Criteria: GeneDx Variant Classification Process June 2021. Collection method: clinical testing. Allele origin: germline. Affected: yes.
Comment: Not observed at significant frequency in large population cohorts (gnomAD); In silico analysis supports that this missense variant has a deleterious effect on protein structure/function; Has not been previously published as pathogenic or benign to our knowledge